The following is an entry in ClinVar:

NM_006267.5(RANBP2):c.5066A>G (p.Gln1689Arg)

Gene: RANBP2 (RAN binding protein 2; plus strand). Cytogenetic location: 2q13.
Variant type: single nucleotide variant.
Coding change: c.5066A>G on transcript NM_006267.5 (MANE Select); coding-DNA position 5066, A replaced by G.
Protein change: p.Gln1689Arg; replaces glutamine 1689 with arginine.
Molecular consequence: missense variant.
Genome position (GRCh38, 1-based): chr2:108,765,605, A>G. VCF-style: chr2-108765605-A-G. GRCh37 (hg19) VCF-style: chr2-109382061-A-G.
Other names: short protein forms Q1689R.
Identifiers: ClinVar variation 935248 (VCV000935248.11), dbSNP rs143930883, ClinGen allele CA1823219.

ClinVar aggregate classification (germline): Uncertain significance. Review status: criteria provided, multiple submitters, no conflicts (2 of 4 stars). 2 submissions from 2 submitters: Uncertain significance (2). Last evaluated 2025-08-29.

Conditions:
Familial acute necrotizing encephalopathy (IIAE3). Also called: ENCEPHALOPATHY, ACUTE, INFECTION-INDUCED, SUSCEPTIBILITY TO, 3; Susceptibility to Acute Necrotizing Encephalopathy 1. Identifiers: Orphanet 88619, MedGen C2675556, MONDO:0011953, OMIM 608033.

Allele frequency attached by ClinVar (database versions not stated): gnomAD exomes 0.00001 and below 0.00001; TOPMed 0.00001; ExAC 0.00002; gnomAD 0.00003; ESP Exome Variant Server 0.00008.
gnomAD v4.1: 11 of 1,427,932 alleles (0.00077%); highest among the groups gnomAD compares: African/African-American, 0.002%; no homozygotes.

Submissions (2):

Ambry Genetics
Classification: Uncertain significance. Last evaluated: 2025-08-29. Review status: criteria provided, single submitter. Criteria: Ambry Variant Classification Scheme 2023. Collection method: clinical testing. Allele origin: germline.

Labcorp Genetics (formerly Invitae), Labcorp
Classification: Uncertain significance for Familial acute necrotizing encephalopathy. Last evaluated: 2019-09-01. Review status: criteria provided, single submitter. Criteria: Invitae Variant Classification Sherloc (09022015). Collection method: clinical testing. Allele origin: germline.
Comment: In summary, the available evidence is currently insufficient to determine the role of this variant in disease. Therefore, it has been classified as a Variant of Uncertain Significance. Algorithms developed to predict the effect of missense changes on protein structure and function (SIFT, PolyPhen-2, Align-GVGD) all suggest that this variant is likely to be tolerated, but these predictions have not been confirmed by published functional studies and their clinical significance is uncertain. This variant has not been reported in the literature in individuals with RANBP2-related conditions. The frequency data for this variant in the population databases is considered unreliable, as metrics indicate poor data quality at this position in the ExAC database. This sequence change replaces glutamine with arginine at codon 1689 of the RANBP2 protein (p.Gln1689Arg). The glutamine residue is highly conserved and there is a small physicochemical difference between glutamine and arginine.